The following is an entry in ClinVar:

NM_012301.4(MAGI2):c.3164C>A (p.Ala1055Glu)

Gene: MAGI2 (membrane associated guanylate kinase, WW and PDZ domain containing 2; minus strand). Cytogenetic location: 7q21.11.
Variant type: single nucleotide variant.
Coding change: c.3164C>A on transcript NM_012301.4 (MANE Select); coding-DNA position 3164, C replaced by A.
Protein change: p.Ala1055Glu; replaces alanine 1055 with glutamic acid.
Molecular consequence: missense variant.
Genome position (GRCh38, 1-based): chr7:78,132,928, G>T on the plus strand (C>A on the coding strand, the complement: MAGI2 is on the minus strand). VCF-style: chr7-78132928-G-T. GRCh37 (hg19) VCF-style: chr7-77762245-G-T.
Other names: c.3122C>A, p.Ala1041Glu (NM_001301128.2); short protein forms A1055E, A1041E.
Identifiers: ClinVar variation 2698815 (VCV002698815.3), dbSNP rs2485408717, ClinGen allele CA367849341.

ClinVar aggregate classification (germline): Uncertain significance (1 of 4 stars; one submission).

Submission:

Labcorp Genetics (formerly Invitae), Labcorp
Classification: Uncertain significance. Last evaluated: 2023-11-24. Review status: criteria provided, single submitter. Criteria: Invitae Variant Classification Sherloc (09022015). Collection method: clinical testing. Allele origin: germline.
Comment: This sequence change replaces alanine, which is neutral and non-polar, with glutamic acid, which is acidic and polar, at codon 1055 of the MAGI2 protein (p.Ala1055Glu). This variant is not present in population databases (gnomAD no frequency). This variant has not been reported in the literature in individuals affected with MAGI2-related conditions. An algorithm developed to predict the effect of missense changes on protein structure and function (PolyPhen-2) suggests that this variant is likely to be tolerated. In summary, the available evidence is currently insufficient to determine the role of this variant in disease. Therefore, it has been classified as a Variant of Uncertain Significance.